The following is an entry in ClinVar:

ClinVar aggregate classification (germline): Uncertain significance. Review status: criteria provided, multiple submitters, no conflicts (2 of 4 stars). 2 submissions from 2 submitters: Uncertain significance (2). Last evaluated 2024-12-23.

Conditions:
Bethlem myopathy 2 (BTHLM2). Identifiers: Orphanet 536516, Orphanet 610, MedGen C4225313, MONDO:0034022, OMIM 616471.
Ullrich congenital muscular dystrophy 2 (UCMD2). Identifiers: Orphanet 75840, MedGen C4225314, MONDO:0014654, OMIM 616470.

Allele frequency attached by ClinVar (database versions not stated): gnomAD exomes below 0.00001; ExAC 0.00001; gnomAD 0.00001.
gnomAD v4.1: 3 of 1,612,794 alleles (0.00019%); highest among the groups gnomAD compares: Non-Finnish European, 0.00025%; no homozygotes.

Submissions (2):

Labcorp Genetics (formerly Invitae), Labcorp
Classification: Uncertain significance for Bethlem myopathy 2; Ullrich congenital muscular dystrophy 2. Last evaluated: 2024-12-23. Review status: criteria provided, single submitter. Criteria: Invitae Variant Classification Sherloc (09022015). Collection method: clinical testing. Allele origin: germline.
Comment: This sequence change replaces aspartic acid, which is acidic and polar, with asparagine, which is neutral and polar, at codon 2370 of the COL12A1 protein (p.Asp2370Asn). The frequency data for this variant in the population databases is considered unreliable, as metrics indicate poor data quality at this position in the gnomAD database. This variant has not been reported in the literature in individuals affected with COL12A1-related conditions. ClinVar contains an entry for this variant (Variation ID: 2440260). Invitae Evidence Modeling of protein sequence and biophysical properties (such as structural, functional, and spatial information, amino acid conservation, physicochemical variation, residue mobility, and thermodynamic stability) has been performed for this missense variant. However, the output from this modeling did not meet the statistical confidence thresholds required to predict the impact of this variant on COL12A1 protein function. In summary, the available evidence is currently insufficient to determine the role of this variant in disease. Therefore, it has been classified as a Variant of Uncertain Significance.

Revvity Omics, Revvity
Classification: Uncertain significance. Last evaluated: 2019-03-06. Review status: criteria provided, single submitter. Criteria: ACMG Guidelines, 2015. Collection method: clinical testing. Allele origin: germline.

NM_004370.6(COL12A1):c.7108G>A (p.Asp2370Asn)

Genes: COL12A1 (collagen type XII alpha 1 chain; minus strand), LOC126859712 (MED14-independent group 3 enhancer GRCh37_chr6:75828643-75829842; plus strand). Cytogenetic location: 6q13.
Variant type: single nucleotide variant.
Coding change: c.7108G>A on transcript NM_004370.6 (MANE Select); coding-DNA position 7108, G replaced by A.
Protein change: p.Asp2370Asn; replaces aspartic acid 2370 with asparagine.
Molecular consequence: missense variant.
Genome position (GRCh38, 1-based): chr6:75,119,452, C>T on the plus strand (G>A on the coding strand, the complement: COL12A1 is on the minus strand). VCF-style: chr6-75119452-C-T. GRCh37 (hg19) VCF-style: chr6-75829168-C-T.
Other names: c.3616G>A, p.Asp1206Asn (NM_080645.3); short protein forms D1206N, D2370N.
Identifiers: ClinVar variation 2440260 (VCV002440260.5), dbSNP rs764573448, ClinGen allele CA3892637.
Genomic context (GRCh38, chr6:75,119,452, plus strand): 5'-CCCCAAGGGCTAGGGCCTTGTCATTGTACGTGTTCAGCTTGAACTCAGACTTGACCTCAT[C>T]GCTGTATTGCACAAATGAAACCTGAAGGAAAATGTGATTTGGCAGTGAGCATAAGTCATC-3'
Protein context (NP_004361.3, residues 2360-2380): GIQVSFVQYS[Asp2370Asn]EVKSEFKLNT